The following is an entry in ClinVar:

ClinVar aggregate classification (germline): Uncertain significance. Review status: criteria provided, multiple submitters, no conflicts (2 of 4 stars). 6 submissions from 6 submitters: Uncertain significance (5). 1 of the submissions does not count toward it. Last evaluated 2025-10-08.

Conditions:
Normophosphatemic familial tumoral calcinosis. Also called: CALCINOSIS, TUMORAL, WITH NORMOPHOSPHATEMIA. Identifiers: Orphanet 306658, Orphanet 53715, MedGen C1864861, MONDO:0012502, OMIM 610455.
MIRAGE syndrome. Also called: MYELODYSPLASIA, INFECTION, RESTRICTION OF GROWTH, ADRENAL HYPOPLASIA, GENITAL PHENOTYPES, AND ENTEROPATHY. Identifiers: Orphanet 494433, MedGen C4284088, MONDO:0014888, OMIM 617053.
Monosomy 7 myelodysplasia and leukemia syndrome 2. Identifiers: MedGen C5436668, MONDO:0030801, OMIM 619041.
SAMD9-related disorder. Also called: SAMD9-related condition.

Allele frequency attached by ClinVar (database versions not stated): ExAC 0.00002; TOPMed 0.00002; gnomAD exomes 0.00003 and 0.00009; gnomAD 0.00001.

Submissions (6):

Labcorp Genetics (formerly Invitae), Labcorp
Classification: Uncertain significance. Last evaluated: 2025-10-08. Review status: criteria provided, single submitter. Criteria: Invitae Variant Classification Sherloc (09022015). Collection method: clinical testing. Allele origin: germline.
Comment: This sequence change creates a premature translational stop signal (p.Glu861Valfs*6) in the SAMD9 gene. While this is not anticipated to result in nonsense mediated decay, it is expected to disrupt the last 729 amino acid(s) of the SAMD9 protein. This variant is present in population databases (rs763398021, gnomAD 0.006%). This variant has not been reported in the literature in individuals affected with SAMD9-related conditions. ClinVar contains an entry for this variant (Variation ID: 1521693). In summary, the available evidence is currently insufficient to determine the role of this variant in disease. Therefore, it has been classified as a Variant of Uncertain Significance.

GeneDx
Classification: Uncertain significance. Last evaluated: 2024-07-31. Review status: criteria provided, single submitter. Criteria: GeneDx Variant Classification Process June 2021. Collection method: clinical testing. Allele origin: germline. Affected: yes.
Comment: Not observed at significant frequency in large population cohorts (gnomAD); Has not been previously published as pathogenic or benign to our knowledge; Frameshift variant predicted to result in abnormal protein length as the last 729 amino acids are replaced with 5 different amino acids, in a gene for which loss of function is not an established mechanism of disease; This variant is associated with the following publications: (PMID: 28545555)

ARUP Laboratories, Molecular Genetics and Genomics, ARUP Laboratories
Classification: Uncertain significance. Last evaluated: 2024-03-29. Review status: criteria provided, single submitter. Criteria: ARUP Molecular Germline Variant Investigation Process 2024. Collection method: clinical testing. Allele origin: germline.

Department of Pathology and Laboratory Medicine, Sinai Health System
Classification: Uncertain significance for Normophosphatemic familial tumoral calcinosis; MIRAGE syndrome; Monosomy 7 myelodysplasia and leukemia syndrome 2. Last evaluated: 2023-08-02. Review status: criteria provided, single submitter. Criteria: ACMG Guidelines, 2015. Collection method: research. Allele origin: germline.

Genetics and Molecular Pathology, SA Pathology
Classification: Uncertain significance for Monosomy 7 myelodysplasia and leukemia syndrome 2. Last evaluated: 2021-03-05. Review status: criteria provided, single submitter. Criteria: ACMG Guidelines, 2015. Collection method: clinical testing. Allele origin: germline. Affected: yes.

PreventionGenetics, part of Exact Sciences
Classification: Uncertain significance for SAMD9-related condition. Last evaluated: 2024-04-17. Review status: no assertion criteria provided. Collection method: clinical testing. Allele origin: germline. Not counted in ClinVar's aggregate classification.
Comment: The SAMD9 c.2581_2582insT variant is predicted to result in a frameshift and premature protein termination (p.Glu861Valfs*6). To our knowledge, this variant has not been reported in the literature. This variant is reported in 0.0062% of alleles in individuals of European (Non-Finnish) descent in gnomAD. Loss of function is not an established mechanism of SAMD9-related disease. At this time, the clinical significance of this variant is uncertain due to the absence of conclusive functional and genetic evidence.

NM_017654.4(SAMD9):c.2581_2582insT (p.Glu861fs)

Gene: SAMD9 (sterile alpha motif domain containing 9; minus strand). Cytogenetic location: 7q21.2.
Variant type: Insertion.
Coding change: c.2581_2582insT on transcript NM_017654.4 (MANE Select); coding-DNA positions 2581 to 2582, T inserted.
Protein change: p.Glu861fs; shifts the reading frame from glutamic acid 861.
Molecular consequence: frameshift variant.
Genome position: GRCh38 VCF-style: chr7-93103516-T-TA. GRCh37 (hg19) VCF-style: chr7-92732829-T-TA.
Other names: c.2581_2582insT (NM_017654.3); c.2581_2582insT, p.Glu861fs (NM_001193307.2); short protein forms E861fs.
Identifiers: ClinVar variation 1521693 (VCV001521693.10), dbSNP rs763398021, ClinGen allele CA4342815.
Genomic context (GRCh38, chr7:93,103,516, plus strand): 5'-TCCTCAAAGTTTTTATGCTGTTCTTTGATTTCTTTCAATTTAAGCTCAAAAGCTCTCTGT[T>TA]CTTTGGGAGAGAGTTGCTGTATTACGGCAATACTGTCTGGGATCCTTGCACTTTTTTCAG-3'